The following is an entry in ClinVar:

ClinVar aggregate classification (germline): Benign (1 of 4 stars; one submission).

Conditions:
Juvenile polyposis/hereditary hemorrhagic telangiectasia syndrome (JPHT). Also called: JP/HHT SYNDROME; JUVENILE POLYPOSIS WITH HEREDITARY HEMORRHAGIC TELANGIECTASIA; POLYPOSIS, GENERALIZED JUVENILE, WITH PULMONARY ARTERIOVENOUS MALFORMATION; TELANGIECTASIA, HEREDITARY HEMORRHAGIC, WITH JUVENILE POLYPOSIS COLI; Juvenile Polyposis Syndrome / Hereditary Hemorrhagic Telangiectasia (JPS/HHT). Identifiers: Orphanet 2929, MedGen C1832942, MONDO:0008278, OMIM 175050.

Submission:

Myriad Genetics, Inc.
Classification: Benign for Juvenile polyposis/hereditary hemorrhagic telangiectasia syndrome. Last evaluated: 2025-03-19. Review status: criteria provided, single submitter. Criteria: Myriad Autosomal Dominant, Autosomal Recessive and X-Linked Classification Criteria (2023). Collection method: clinical testing. Allele origin: unknown.
Comment: This variant is considered benign. This variant is a silent/synonymous amino acid change and it is not expected to impact splicing.

NM_005359.6(SMAD4):c.678C>T (p.Ala226=)

Gene: SMAD4 (SMAD family member 4; plus strand). Cytogenetic location: 18q21.2.
Variant type: single nucleotide variant.
Coding change: c.678C>T on transcript NM_005359.6 (MANE Select); coding-DNA position 678, C replaced by T.
Protein change: p.Ala226=; no amino-acid change (alanine 226 retained).
Molecular consequence: synonymous variant. On other transcripts: non-coding transcript variant (2).
Genome position (GRCh38, 1-based): chr18:51,058,135, C>T. VCF-style: chr18-51058135-C-T. GRCh37 (hg19) VCF-style: chr18-48584505-C-T.
Other names: c.678C>T, p.Ala226= (NM_001407041.1, NM_001407042.1, NM_001407043.1).
Identifiers: ClinVar variation 3903637 (VCV003903637.1).